The following is an entry in ClinVar:

ClinVar aggregate classification (germline): Uncertain significance. Review status: criteria provided, multiple submitters, no conflicts (2 of 4 stars). 2 submissions from 2 submitters: Uncertain significance (2). Last evaluated 2025-03-27.

Conditions:
Timothy syndrome (TS). Also called: LONG QT SYNDROME WITH SYNDACTYLY. Identifiers: Orphanet 65283, MedGen C1832916, MeSH C536962, MONDO:0010979, OMIM 601005.
Brugada syndrome 3 (BRGDA3). Identifiers: Orphanet 130, MedGen C2678478, MONDO:0012742, OMIM 611875.
Long QT syndrome 8. Identifiers: MedGen CN260585, MONDO:0032756, OMIM 618447.
Neurodevelopmental disorder with hypotonia, language delay, and skeletal defects with or without seizures (NEDHLSS). Identifiers: MedGen C5774213, MONDO:0859286, OMIM 620029.
Long QT syndrome (LQTS). Identifiers: MedGen C0023976, MeSH D008133, MONDO:0002442. Disease mechanism: loss of function. Inheritance: Various modes of inheritance.

Allele frequency attached by ClinVar (database versions not stated): gnomAD exomes below 0.00001.
gnomAD v4.1: 1 of 1,607,824 alleles (0.000062%); highest among the groups gnomAD compares: Non-Finnish European, 0.000085%; no homozygotes.

Submissions (2):

Institute of Human Genetics, Cologne University
Classification: Uncertain significance for Timothy syndrome; Long QT syndrome 8; Neurodevelopmental disorder with hypotonia, language delay, and skeletal defects with or without seizures; Brugada syndrome 3. Last evaluated: 2025-03-27. Review status: criteria provided, single submitter. Criteria: ACMG Guidelines, 2015. Collection method: clinical testing. Allele origin: germline.

Labcorp Genetics (formerly Invitae), Labcorp
Classification: Uncertain significance for Long QT syndrome. Last evaluated: 2025-02-12. Review status: criteria provided, single submitter. Criteria: Invitae Variant Classification Sherloc (09022015). Collection method: clinical testing. Allele origin: germline.
Comment: This sequence change replaces glycine, which is neutral and non-polar, with valine, which is neutral and non-polar, at codon 985 of the CACNA1C protein (p.Gly985Val). This variant is not present in population databases (gnomAD no frequency). This variant has not been reported in the literature in individuals affected with CACNA1C-related conditions. ClinVar contains an entry for this variant (Variation ID: 1023794). Invitae Evidence Modeling of protein sequence and biophysical properties (such as structural, functional, and spatial information, amino acid conservation, physicochemical variation, residue mobility, and thermodynamic stability) indicates that this missense variant is not expected to disrupt CACNA1C protein function with a negative predictive value of 80%. In summary, the available evidence is currently insufficient to determine the role of this variant in disease. Therefore, it has been classified as a Variant of Uncertain Significance.

NM_000719.7(CACNA1C):c.2954G>T (p.Gly985Val)

Gene: CACNA1C (calcium voltage-gated channel subunit alpha1 C; plus strand). Cytogenetic location: 12p13.33.
Variant type: single nucleotide variant.
Coding change: c.2954G>T on transcript NM_000719.7 (MANE Select); coding-DNA position 2954, G replaced by T.
Protein change: p.Gly985Val; replaces glycine 985 with valine.
Molecular consequence: missense variant.
Genome position (GRCh38, 1-based): chr12:2,601,954, G>T. VCF-style: chr12-2601954-G-T. GRCh37 (hg19) VCF-style: chr12-2711120-G-T.
Other names: c.3014G>T, p.Gly1005Val (NM_001129827.2, NM_199460.4, NM_001129832.2); c.2954G>T, p.Gly985Val (NM_001129829.2, NM_001129830.3, NM_001129840.2 and 15 more transcripts); c.2945G>T, p.Gly982Val (NM_001129844.2); short protein forms G1005V, G982V, G985V.
Identifiers: ClinVar variation 1023794 (VCV001023794.6), dbSNP rs2072557832, ClinGen allele CA383373272.